The following is an entry in ClinVar:

ClinVar aggregate classification (germline): Uncertain significance (1 of 4 stars; one submission).

Allele frequency attached by ClinVar (database versions not stated): gnomAD exomes below 0.00001; ExAC 0.00001; ESP Exome Variant Server 0.00008.
gnomAD v4.1: 1 of 1,614,050 alleles (0.000062%); highest among the groups gnomAD compares: African/African-American, 0.0013%; no homozygotes.

Submission:

Labcorp Genetics (formerly Invitae), Labcorp
Classification: Uncertain significance. Last evaluated: 2024-10-07. Review status: criteria provided, single submitter. Criteria: Invitae Variant Classification Sherloc (09022015). Collection method: clinical testing. Allele origin: germline.
Comment: This sequence change creates a premature translational stop signal (p.Trp893*) in the MTTP gene. While this is not anticipated to result in nonsense mediated decay, it is expected to disrupt the last 2 amino acid(s) of the MTTP protein. This variant is present in population databases (rs145238214, gnomAD 0.007%). This variant has not been reported in the literature in individuals affected with MTTP-related conditions. ClinVar contains an entry for this variant (Variation ID: 1489045). In summary, the available evidence is currently insufficient to determine the role of this variant in disease. Therefore, it has been classified as a Variant of Uncertain Significance.

NM_001386140.1(MTTP):c.2678G>A (p.Trp893Ter)

Gene: MTTP (microsomal triglyceride transfer protein; plus strand). Cytogenetic location: 4q23.
Variant type: single nucleotide variant.
Coding change: c.2678G>A on transcript NM_001386140.1 (MANE Select); coding-DNA position 2678, G replaced by A.
Protein change: p.Trp893Ter; replaces tryptophan 893 with a stop codon.
Molecular consequence: nonsense.
Genome position (GRCh38, 1-based): chr4:99,622,841, G>A. VCF-style: chr4-99622841-G-A. GRCh37 (hg19) VCF-style: chr4-100543998-G-A.
Other names: c.2678G>A, p.Trp893Ter (NM_000253.4); c.2429G>A, p.Trp810Ter (NM_001300785.2); short protein forms W893*, W810*.
Identifiers: ClinVar variation 1489045 (VCV001489045.5), dbSNP rs145238214, ClinGen allele CA3022428.